The following is an entry in ClinVar:

NM_001783.4(CD79A):c.370C>T (p.Arg124Cys)

Genes: CD79A (CD79a molecule; plus strand), RPS19-CD79A (RPS19-CD79A readthrough; plus strand). Cytogenetic location: 19q13.2.
Variant type: single nucleotide variant.
Coding change: c.370C>T on transcript NM_001783.4 (MANE Select); coding-DNA position 370, C replaced by T.
Protein change: p.Arg124Cys; replaces arginine 124 with cysteine.
Molecular consequence: missense variant. On other transcripts: intron variant (1).
Genome position (GRCh38, 1-based): chr19:41,879,280, C>T. VCF-style: chr19-41879280-C-T. GRCh37 (hg19) VCF-style: chr19-42383350-C-T.
Other names: c.265+105C>T (NM_021601.4); short protein forms R124C.
Identifiers: ClinVar variation 450253 (VCV000450253.11), dbSNP rs144006380, ClinGen allele CA9465565.
Genomic context (GRCh38, chr19:41,879,280, plus strand): 5'-TACGTGTGCCGGGTCCAGGAGGGCAACGAGTCATACCAGCAGTCCTGCGGCACCTACCTC[C>T]GCGTGCGCCGTGAGTGGCCCAGCCCTGGCCCCTACTCCCACTGTCCCGCTGGGGACACTC-3'
Protein context (NP_001774.1, residues 114-134): SYQQSCGTYL[Arg124Cys]VRQPPPRPFL

ClinVar aggregate classification (germline): Uncertain significance. Review status: criteria provided, multiple submitters, no conflicts (2 of 4 stars). 2 submissions from 2 submitters: Uncertain significance (2). Last evaluated 2024-10-07.

Conditions:
Agammaglobulinemia 3, autosomal recessive (AGM3). Also called: AGAMMAGLOBULINEMIA 3; AGAMMAGLOBULINEMIA, AUTOSOMAL RECESSIVE, DUE TO CD79A DEFECT. Identifiers: MedGen C3150751, MONDO:0013288, OMIM 613501.

Allele frequency attached by ClinVar (database versions not stated): gnomAD 0.00011; gnomAD exomes 0.00014 and 0.00025; TOPMed 0.00017; ExAC 0.00021; ESP Exome Variant Server 0.00031.
gnomAD v4.1: 379 of 1,612,408 alleles (0.024%); highest among the groups gnomAD compares: Non-Finnish European, 0.029%; no homozygotes.

Submissions (2):

Labcorp Genetics (formerly Invitae), Labcorp
Classification: Uncertain significance for Agammaglobulinemia 3, autosomal recessive. Last evaluated: 2024-10-07. Review status: criteria provided, single submitter. Criteria: Invitae Variant Classification Sherloc (09022015). Collection method: clinical testing. Allele origin: germline.
Comment: This sequence change replaces arginine, which is basic and polar, with cysteine, which is neutral and slightly polar, at codon 124 of the CD79A protein (p.Arg124Cys). This variant is present in population databases (rs144006380, gnomAD 0.02%). This missense change has been observed in individual(s) with rheumatic disease and hypogammaglobulinaemia (PMID: 33046446). ClinVar contains an entry for this variant (Variation ID: 450253). An algorithm developed to predict the effect of missense changes on protein structure and function (PolyPhen-2) suggests that this variant is likely to be disruptive. In summary, the available evidence is currently insufficient to determine the role of this variant in disease. Therefore, it has been classified as a Variant of Uncertain Significance.

GeneDx
Classification: Uncertain significance. Last evaluated: 2017-07-14. Review status: criteria provided, single submitter. Criteria: GeneDx Variant Classification (06012015). Collection method: clinical testing. Allele origin: germline. Affected: yes.
Comment: The R124C variant in the CD79A gene has not been reported previously as a pathogenic variant, nor as a benign variant, to our knowledge. The R124C variant is observed in 17/61026 (0.03%) alleles from individuals of non-Finnish European background, in the ExAC dataset (Lek et al., 2016). The R124C variant is a non-conservative amino acid substitution, which is likely to impact secondary protein structure as these residues differ in polarity, charge, size and/or other properties. This substitution occurs at a position that is conserved in mammals. In silico analysis predicts this variant is probably damaging to the protein structure/function. We interpret R124C as a variant of uncertain significance.

Literature cited by the submitters: PubMed 33046446 (cited by Labcorp Genetics (formerly Invitae), Labcorp).